The following is an entry in ClinVar:

NM_003839.4(TNFRSF11A):c.1528G>C (p.Gly510Arg)

Gene: TNFRSF11A (TNF receptor superfamily member 11a; plus strand). Cytogenetic location: 18q21.33.
Variant type: single nucleotide variant.
Coding change: c.1528G>C on transcript NM_003839.4 (MANE Select); coding-DNA position 1528, G replaced by C.
Protein change: p.Gly510Arg; replaces glycine 510 with arginine.
Molecular consequence: missense variant. On other transcripts: intron variant (3).
Genome position (GRCh38, 1-based): chr18:62,369,445, G>C. VCF-style: chr18-62369445-G-C. GRCh37 (hg19) VCF-style: chr18-60036678-G-C.
Other names: c.1486G>C, p.Gly496Arg (NM_001278268.2); c.783+2685G>C (NM_001270949.2); c.730+7652G>C (NM_001270950.2); c.616+9396G>C (NM_001270951.2); short protein forms G496R, G510R.
Identifiers: ClinVar variation 4723211 (VCV004723211.1).

ClinVar aggregate classification (germline): Uncertain significance (1 of 4 stars; one submission).

Submission:

Labcorp Genetics (formerly Invitae), Labcorp
Classification: Uncertain significance. Last evaluated: 2025-07-14. Review status: criteria provided, single submitter. Criteria: Invitae Variant Classification Sherloc (09022015). Collection method: clinical testing. Allele origin: germline.
Comment: This sequence change replaces glycine, which is neutral and non-polar, with arginine, which is basic and polar, at codon 510 of the TNFRSF11A protein (p.Gly510Arg). This variant is not present in population databases (gnomAD no frequency). This variant has not been reported in the literature in individuals affected with TNFRSF11A-related conditions. An algorithm developed to predict the effect of missense changes on protein structure and function (PolyPhen-2) suggests that this variant is likely to be disruptive. In summary, the available evidence is currently insufficient to determine the role of this variant in disease. Therefore, it has been classified as a Variant of Uncertain Significance.